The following is an entry in ClinVar:

ClinVar aggregate classification (germline): Uncertain significance (1 of 4 stars; one submission).

Conditions:
Hereditary cancer-predisposing syndrome. Also called: Tumor predisposition; Neoplastic Syndromes, Hereditary; Hereditary neoplastic syndrome; Hereditary Cancer Syndrome. Identifiers: Orphanet 140162, MedGen C0027672, MeSH D009386, MONDO:0015356.

Submission:

Ambry Genetics
Classification: Uncertain significance for Hereditary cancer-predisposing syndrome. Last evaluated: 2024-09-25. Review status: criteria provided, single submitter. Criteria: Ambry Variant Classification Scheme 2023. Collection method: clinical testing. Allele origin: germline.
Comment: The p.I688S variant (also known as c.2063T>G), located in coding exon 15 of the TSC1 gene, results from a T to G substitution at nucleotide position 2063. The isoleucine at codon 688 is replaced by serine, an amino acid with dissimilar properties. This amino acid position is not well conserved in available vertebrate species. In addition, this alteration is predicted to be deleterious by in silico analysis. Based on the available evidence, the clinical significance of this variant remains unclear.

NM_000368.5(TSC1):c.2063T>G (p.Ile688Ser)

Gene: TSC1 (TSC complex subunit 1; minus strand). Cytogenetic location: 9q34.13.
Variant type: single nucleotide variant.
Coding change: c.2063T>G on transcript NM_000368.5 (MANE Select); coding-DNA position 2063, T replaced by G.
Protein change: p.Ile688Ser; replaces isoleucine 688 with serine.
Molecular consequence: missense variant. On other transcripts: non-coding transcript variant (4).
Genome position (GRCh38, 1-based): chr9:132,903,796, A>C on the plus strand (T>G on the coding strand, the complement: TSC1 is on the minus strand). VCF-style: chr9-132903796-A-C. GRCh37 (hg19) VCF-style: chr9-135779183-A-C.
Other names: c.2060T>G, p.Ile687Ser (NM_001162426.2, NM_001406597.1, NM_001406598.1 and 4 more transcripts); c.1910T>G, p.Ile637Ser (NM_001162427.2, NM_001406610.1); c.1700T>G, p.Ile567Ser (NM_001362177.2, NM_001406614.1, NM_001406615.1 and 5 more transcripts); c.2063T>G, p.Ile688Ser (NM_001406592.1, NM_001406593.1, NM_001406594.1 and 5 more transcripts); c.2048T>G, p.Ile683Ser (NM_001406601.1, NM_001406602.1); c.2045T>G, p.Ile682Ser (NM_001406603.1, NM_001406604.1); c.1907T>G, p.Ile636Ser (NM_001406611.1, NM_001406612.1, NM_001406613.1); c.1697T>G, p.Ile566Ser (NM_001406620.1, NM_001406621.1, NM_001406622.1 and 2 more transcripts); and 3 more; short protein forms I370S, I682S, I371S, I566S, I637S, I337S, I683S, I687S.
Identifiers: ClinVar variation 3462472 (VCV003462472.1).